The following is an entry in ClinVar:

NM_004360.5(CDH1):c.827T>C (p.Leu276Pro)

Gene: CDH1 (cadherin 1; plus strand). Cytogenetic location: 16q22.1.
Variant type: single nucleotide variant.
Coding change: c.827T>C on transcript NM_004360.5 (MANE Select); coding-DNA position 827, T replaced by C.
Protein change: p.Leu276Pro; replaces leucine 276 with proline.
Molecular consequence: missense variant. On other transcripts: 5 prime UTR variant (2).
Genome position (GRCh38, 1-based): chr16:68,810,336, T>C. VCF-style: chr16-68810336-T-C. GRCh37 (hg19) VCF-style: chr16-68844239-T-C.
Other names: c.827T>C, p.Leu276Pro (NM_001317184.2); c.-789T>C (NM_001317185.2); c.-993T>C (NM_001317186.2); short protein forms L276P.
Identifiers: ClinVar variation 948545 (VCV000948545.12), dbSNP rs1960786758, ClinGen allele CA396459001.
Genomic context (GRCh38, chr16:68,810,336, plus strand): 5'-ATGACAACAAGCCCGAATTCACCCAGGAGGTCTTTAAGGGGTCTGTCATGGAAGGTGCTC[T>C]TCCAGGTATATCCACTAATGAGAATCTGAATACTCAGAAAGACTCTTAGGTTCTTTGGAC-3'
Protein context (NP_004351.1, residues 266-286): VFKGSVMEGA[Leu276Pro]PGTSVMEVTA

ClinVar aggregate classification (germline): Conflicting classifications of pathogenicity. Review status: criteria provided, conflicting classifications (1 of 4 stars). 2 submissions from 2 submitters: Uncertain significance (1); Likely benign (1). Last evaluated 2025-02-03.

Conditions:
Hereditary cancer-predisposing syndrome. Also called: Neoplastic Syndromes, Hereditary; Hereditary neoplastic syndrome; Hereditary Cancer Syndrome; Tumor predisposition. Identifiers: Orphanet 140162, MedGen C0027672, MeSH D009386, MONDO:0015356.
Hereditary diffuse gastric adenocarcinoma (HDGC). Also called: DIFFUSE GASTRIC AND LOBULAR BREAST CANCER SYNDROME. Identifiers: Orphanet 26106, MedGen C1708349, MONDO:0007648, OMIM 137215.

Allele frequency attached by ClinVar (database versions not stated): gnomAD exomes below 0.00001.
gnomAD v4.1: 1 of 1,613,974 alleles (0.000062%); highest among the groups gnomAD compares: Non-Finnish European, 0.000085%; no homozygotes.

Submissions (2):

Ambry Genetics
Classification: Likely benign for Hereditary cancer-predisposing syndrome. Last evaluated: 2025-02-03. Review status: criteria provided, single submitter. Criteria: Ambry Variant Classification Scheme 2023. Collection method: clinical testing. Allele origin: germline.

Labcorp Genetics (formerly Invitae), Labcorp
Classification: Uncertain significance for Hereditary diffuse gastric adenocarcinoma. Last evaluated: 2024-07-03. Review status: criteria provided, single submitter. Criteria: Invitae Variant Classification Sherloc (09022015). Collection method: clinical testing. Allele origin: germline.
Comment: This sequence change replaces leucine, which is neutral and non-polar, with proline, which is neutral and non-polar, at codon 276 of the CDH1 protein (p.Leu276Pro). This variant is not present in population databases (gnomAD no frequency). This variant has not been reported in the literature in individuals affected with CDH1-related conditions. ClinVar contains an entry for this variant (Variation ID: 948545). An algorithm developed to predict the effect of missense changes on protein structure and function (PolyPhen-2) suggests that this variant is likely to be disruptive. In summary, the available evidence is currently insufficient to determine the role of this variant in disease. Therefore, it has been classified as a Variant of Uncertain Significance.